The following is an entry in ClinVar:

ClinVar aggregate classification (germline): Uncertain significance (1 of 4 stars; one submission).

Conditions:
Progressive familial heart block type IB (PFHB1B). Identifiers: Orphanet 871, MedGen C1970298, MONDO:0011474, OMIM 604559.

Allele frequency attached by ClinVar (database versions not stated): gnomAD exomes below 0.00001 and 0.00001; TOPMed below 0.00001; gnomAD 0.00001.
gnomAD v4.1: 19 of 1,613,948 alleles (0.0012%); highest among the groups gnomAD compares: Non-Finnish European, 0.0016%; no homozygotes.

Submission:

Labcorp Genetics (formerly Invitae), Labcorp
Classification: Uncertain significance for Progressive familial heart block type IB. Last evaluated: 2024-11-16. Review status: criteria provided, single submitter. Criteria: Invitae Variant Classification Sherloc (09022015). Collection method: clinical testing. Allele origin: germline.
Comment: This sequence change replaces glycine, which is neutral and non-polar, with arginine, which is basic and polar, at codon 891 of the TRPM4 protein (p.Gly891Arg). This variant is present in population databases (no rsID available, gnomAD 0.0009%). This variant has not been reported in the literature in individuals affected with TRPM4-related conditions. ClinVar contains an entry for this variant (Variation ID: 1442217). An algorithm developed to predict the effect of missense changes on protein structure and function (PolyPhen-2) suggests that this variant is likely to be disruptive. In summary, the available evidence is currently insufficient to determine the role of this variant in disease. Therefore, it has been classified as a Variant of Uncertain Significance.

NM_017636.4(TRPM4):c.2671G>C (p.Gly891Arg)

Gene: TRPM4 (transient receptor potential cation channel subfamily M member 4; plus strand). Cytogenetic location: 19q13.33.
Variant type: single nucleotide variant.
Coding change: c.2671G>C on transcript NM_017636.4 (MANE Select); coding-DNA position 2671, G replaced by C.
Protein change: p.Gly891Arg; replaces glycine 891 with arginine.
Molecular consequence: missense variant.
Genome position (GRCh38, 1-based): chr19:49,200,325, G>C. VCF-style: chr19-49200325-G-C. GRCh37 (hg19) VCF-style: chr19-49703582-G-C.
Other names: c.2236G>C, p.Gly746Arg (NM_001195227.2); c.2326G>C, p.Gly776Arg (NM_001321281.2); c.1063G>C, p.Gly355Arg (NM_001321282.2); c.2149G>C, p.Gly717Arg (NM_001321283.2); c.1609G>C, p.Gly537Arg (NM_001321285.2); short protein forms G537R, G891R, G717R, G746R, G776R, G355R.
Identifiers: ClinVar variation 1442217 (VCV001442217.6), dbSNP rs867713650, ClinGen allele CA406810092.